The following is an entry in ClinVar:

ClinVar aggregate classification (germline): Uncertain significance. Review status: criteria provided, multiple submitters, no conflicts (2 of 4 stars). 2 submissions from 2 submitters: Uncertain significance (2). Last evaluated 2026-08-01.

Conditions:
Cardiovascular phenotype. Identifiers: MedGen CN230736.

Allele frequency attached by ClinVar (database versions not stated): gnomAD 0.00001; gnomAD exomes 0.00001; TOPMed 0.00001; ExAC 0.00002; ESP Exome Variant Server 0.00012.
gnomAD v4.1: 9 of 1,611,880 alleles (0.00056%); highest among the groups gnomAD compares: Admixed American, 0.0017%; no homozygotes.

Submissions (2):

CeGaT Center for Human Genetics Tuebingen
Classification: Uncertain significance. Last evaluated: 2026-08-01. Review status: criteria provided, single submitter. Criteria: CeGaT Center For Human Genetics Tuebingen Variant Classification Criteria Version 2. Collection method: clinical testing. Allele origin: germline. Affected: yes. Observed: 1 variant allele.
Comment: TNXB: PM2, BP4

Ambry Genetics
Classification: Uncertain significance for Cardiovascular phenotype. Last evaluated: 2024-08-11. Review status: criteria provided, single submitter. Criteria: Ambry Variant Classification Scheme 2023. Collection method: clinical testing. Allele origin: germline.

NM_001365276.2(TNXB):c.10217G>A (p.Arg3406Gln)

Gene: TNXB (tenascin XB; minus strand). Cytogenetic location: 6p21.33.
Variant type: single nucleotide variant.
Coding change: c.10217G>A on transcript NM_001365276.2 (MANE Select); coding-DNA position 10217, G replaced by A.
Protein change: p.Arg3406Gln; replaces arginine 3406 with glutamine.
Molecular consequence: missense variant.
Genome position (GRCh38, 1-based): chr6:32,047,841, C>T on the plus strand (G>A on the coding strand, the complement: TNXB is on the minus strand). VCF-style: chr6-32047841-C-T. GRCh37 (hg19) VCF-style: chr6-32015618-C-T.
Other names: c.10211G>A, p.Arg3404Gln (NM_019105.8); c.10958G>A, p.Arg3653Gln (NM_001428335.1); short protein forms R3404Q, R3406Q, R3653Q.
Identifiers: ClinVar variation 3227223 (VCV003227223.3), dbSNP rs371271579, ClinGen allele CA3733276.
Genomic context (GRCh38, chr6:32,047,841, plus strand): 5'-AGACCATAGAGCAGGAACCTGTATTTCCTACTGGGCTCCAGGCCCTGGACTGTGACCTCC[C>T]GCTGGTTGGCTGCCACCGGCACCACCTGGAGCCGACCATCCTTATCCTTGTACTGGACCA-3'
Protein context (NP_001352205.1, residues 3396-3416): LQVVPVAANQ[Arg3406Gln]EVTVQGLEPS